The following is an entry in ClinVar:

NM_024652.6(LRRK1):c.2253G>A (p.Val751=)

Gene: LRRK1 (leucine rich repeat kinase 1; plus strand). Cytogenetic location: 15q26.3.
Variant type: single nucleotide variant.
Coding change: c.2253G>A on transcript NM_024652.6 (MANE Select); coding-DNA position 2253, G replaced by A.
Protein change: p.Val751=; no amino-acid change (valine 751 retained).
Molecular consequence: synonymous variant.
Genome position (GRCh38, 1-based): chr15:101,025,985, G>A. VCF-style: chr15-101025985-G-A. GRCh37 (hg19) VCF-style: chr15-101566190-G-A.
Other names: c.2253G>A (NM_024652.5).
Identifiers: ClinVar variation 1600922 (VCV001600922.11), dbSNP rs55707671, ClinGen allele CA7761180.

ClinVar aggregate classification (germline): Benign. Review status: criteria provided, multiple submitters, no conflicts (2 of 4 stars). 3 submissions from 3 submitters: Benign (2). 1 of the submissions does not count toward it. Last evaluated 2026-01-21.

Conditions:
LRRK1-related disorder. Also called: LRRK1-related condition.

Allele frequency attached by ClinVar (database versions not stated): gnomAD exomes 0.00011 and 0.00027; gnomAD 0.00086; ESP Exome Variant Server 0.00135; 1000 Genomes Project 0.00140; 1000 Genomes Project 30x 0.00172; ExAC 0.00034; TOPMed 0.00082.
gnomAD v4.1: 300 of 1,614,230 alleles (0.019%); highest among the groups gnomAD compares: African/African-American, 0.31%; 3 homozygotes.

Submissions (3):

Labcorp Genetics (formerly Invitae), Labcorp
Classification: Benign. Last evaluated: 2026-01-21. Review status: criteria provided, single submitter. Criteria: Invitae Variant Classification Sherloc (09022015). Collection method: clinical testing. Allele origin: germline.

Breakthrough Genomics
Classification: Benign. Review status: criteria provided, single submitter. Criteria: ACMG Guidelines, 2015. Collection method: not provided. Allele origin: germline. Inheritance: Autosomal recessive inheritance. Affected: yes.

PreventionGenetics, part of Exact Sciences
Classification: Likely benign for LRRK1-related condition. Last evaluated: 2019-04-11. Review status: no assertion criteria provided. Collection method: clinical testing. Allele origin: germline. Not counted in ClinVar's aggregate classification.
Comment: This variant is classified as likely benign based on ACMG/AMP sequence variant interpretation guidelines (Richards et al. 2015 PMID: 25741868, with internal and published modifications).